The following is an entry in ClinVar:

ClinVar aggregate classification (germline): Uncertain significance (1 of 4 stars; one submission).

Conditions:
Inborn genetic diseases. Identifiers: MedGen C0950123, MeSH D030342.

Submission:

Ambry Genetics
Classification: Uncertain significance for Inborn genetic diseases. Last evaluated: 2024-06-23. Review status: criteria provided, single submitter. Criteria: Ambry Variant Classification Scheme 2023. Collection method: clinical testing. Allele origin: germline.
Comment: The p.D41N variant (also known as c.121G>A), located in coding exon 1 of the LRRK2 gene, results from a G to A substitution at nucleotide position 121. The aspartic acid at codon 41 is replaced by asparagine, an amino acid with highly similar properties. This amino acid position is conserved. In addition, this alteration is predicted to be tolerated by in silico analysis. Based on the available evidence, the clinical significance of this variant remains unclear.

NM_198578.4(LRRK2):c.121G>A (p.Asp41Asn)

Gene: LRRK2 (leucine rich repeat kinase 2; plus strand). Cytogenetic location: 12q12.
Variant type: single nucleotide variant.
Coding change: c.121G>A on transcript NM_198578.4 (MANE Select); coding-DNA position 121, G replaced by A.
Protein change: p.Asp41Asn; replaces aspartic acid 41 with asparagine.
Molecular consequence: missense variant.
Genome position (GRCh38, 1-based): chr12:40,225,252, G>A. VCF-style: chr12-40225252-G-A. GRCh37 (hg19) VCF-style: chr12-40619054-G-A.
Other names: short protein forms D41N.
Identifiers: ClinVar variation 3292079 (VCV003292079.1).